The following is an entry in ClinVar:

NM_004360.5(CDH1):c.1135A>G (p.Thr379Ala)

Gene: CDH1 (cadherin 1; plus strand). Cytogenetic location: 16q22.1.
Variant type: single nucleotide variant.
Coding change: c.1135A>G on transcript NM_004360.5 (MANE Select); coding-DNA position 1135, A replaced by G.
Protein change: p.Thr379Ala; replaces threonine 379 with alanine.
Molecular consequence: missense variant. On other transcripts: 5 prime UTR variant (2).
Genome position (GRCh38, 1-based): chr16:68,812,261, A>G. VCF-style: chr16-68812261-A-G. GRCh37 (hg19) VCF-style: chr16-68846164-A-G.
Other names: c.1135A>G, p.Thr379Ala (NM_001317184.2); c.-481A>G (NM_001317185.2); c.-685A>G (NM_001317186.2); short protein forms T379A.
Identifiers: ClinVar variation 922322 (VCV000922322.3), dbSNP rs1960860788, ClinGen allele CA396460328.

ClinVar aggregate classification (germline): Uncertain significance (1 of 4 stars; one submission).

Conditions:
Hereditary cancer-predisposing syndrome. Also called: Neoplastic Syndromes, Hereditary; Tumor predisposition; Hereditary Cancer Syndrome; Hereditary neoplastic syndrome. Identifiers: Orphanet 140162, MedGen C0027672, MeSH D009386, MONDO:0015356.

Submission:

Color Diagnostics, LLC DBA Color Health
Classification: Uncertain significance for Hereditary cancer-predisposing syndrome. Last evaluated: 2021-03-15. Review status: criteria provided, single submitter. Criteria: ACMG Guidelines, 2015. Collection method: clinical testing. Allele origin: germline.
Comment: This missense variant replaces threonine with alanine at codon 379 of the CDH1 protein. To our knowledge, functional studies have not been reported for this variant. This variant has not been reported in individuals affected with hereditary cancer in the literature. This variant has not been identified in the general population by the Genome Aggregation Database (gnomAD). The available evidence is insufficient to determine the role of this variant in disease conclusively. Therefore, this variant is classified as a Variant of Uncertain Significance.